The following is an entry in ClinVar:

ClinVar aggregate classification (germline): Uncertain significance. Review status: criteria provided, multiple submitters, no conflicts (2 of 4 stars). 2 submissions from 2 submitters: Uncertain significance (2). Last evaluated 2025-04-11.

Conditions:
Hereditary cancer-predisposing syndrome. Also called: Neoplastic Syndromes, Hereditary; Tumor predisposition; Hereditary neoplastic syndrome; Hereditary Cancer Syndrome. Identifiers: Orphanet 140162, MedGen C0027672, MeSH D009386, MONDO:0015356.

Allele frequency attached by ClinVar (database versions not stated): gnomAD exomes below 0.00001.
gnomAD v4.1: 1 of 1,498,344 alleles (0.000067%); highest among the groups gnomAD compares: Non-Finnish European, 0.000089%; no homozygotes.

Submissions (2):

Labcorp Genetics (formerly Invitae), Labcorp
Classification: Uncertain significance. Last evaluated: 2025-04-11. Review status: criteria provided, single submitter. Criteria: Invitae Variant Classification Sherloc (09022015). Collection method: clinical testing. Allele origin: germline.
Comment: This sequence change replaces aspartic acid, which is acidic and polar, with valine, which is neutral and non-polar, at codon 16 of the POLE protein (p.Asp16Val). This variant is not present in population databases (gnomAD no frequency). This variant has not been reported in the literature in individuals affected with POLE-related conditions. ClinVar contains an entry for this variant (Variation ID: 644004). An algorithm developed to predict the effect of missense changes on protein structure and function (PolyPhen-2) suggests that this variant is likely to be tolerated. In summary, the available evidence is currently insufficient to determine the role of this variant in disease. Therefore, it has been classified as a Variant of Uncertain Significance.

Ambry Genetics
Classification: Uncertain significance for Hereditary cancer-predisposing syndrome. Last evaluated: 2023-11-15. Review status: criteria provided, single submitter. Criteria: Ambry Variant Classification Scheme 2023. Collection method: clinical testing. Allele origin: germline.
Comment: The p.D16V variant (also known as c.47A>T), located in coding exon 1 of the POLE gene, results from an A to T substitution at nucleotide position 47. The aspartic acid at codon 16 is replaced by valine, an amino acid with highly dissimilar properties. This amino acid position is conserved. In addition, this alteration is predicted to be tolerated by in silico analysis. Since supporting evidence is limited at this time, the clinical significance of this alteration remains unclear.

NM_006231.4(POLE):c.47A>T (p.Asp16Val)

Genes: POLE (DNA polymerase epsilon, catalytic subunit; minus strand), LOC130009266 (ATAC-STARR-seq lymphoblastoid silent region 5123; plus strand). Cytogenetic location: 12q24.33.
Variant type: single nucleotide variant.
Coding change: c.47A>T on transcript NM_006231.4 (MANE Select); coding-DNA position 47, A replaced by T.
Protein change: p.Asp16Val; replaces aspartic acid 16 with valine.
Molecular consequence: missense variant.
Genome position (GRCh38, 1-based): chr12:132,687,269, T>A on the plus strand (A>T on the coding strand, the complement: POLE is on the minus strand). VCF-style: chr12-132687269-T-A. GRCh37 (hg19) VCF-style: chr12-133263855-T-A.
Other names: short protein forms D16V.
Identifiers: ClinVar variation 644004 (VCV000644004.13), dbSNP rs1333842547, ClinGen allele CA387373359.